The following is an entry in ClinVar:

ClinVar aggregate classification (germline): Uncertain significance (1 of 4 stars; one submission).

Submission:

Labcorp Genetics (formerly Invitae), Labcorp
Classification: Uncertain significance. Last evaluated: 2024-03-04. Review status: criteria provided, single submitter. Criteria: Invitae Variant Classification Sherloc (09022015). Collection method: clinical testing. Allele origin: germline.
Comment: This sequence change replaces serine, which is neutral and polar, with alanine, which is neutral and non-polar, at codon 731 of the IL6ST protein (p.Ser731Ala). This variant is not present in population databases (gnomAD no frequency). This variant has not been reported in the literature in individuals affected with IL6ST-related conditions. An algorithm developed to predict the effect of missense changes on protein structure and function (PolyPhen-2) suggests that this variant is likely to be disruptive. In summary, the available evidence is currently insufficient to determine the role of this variant in disease. Therefore, it has been classified as a Variant of Uncertain Significance.

NM_002184.4(IL6ST):c.2191T>G (p.Ser731Ala)

Gene: IL6ST (interleukin 6 cytokine family signal transducer; minus strand). Cytogenetic location: 5q11.2.
Variant type: single nucleotide variant.
Coding change: c.2191T>G on transcript NM_002184.4 (MANE Select); coding-DNA position 2191, T replaced by G.
Protein change: p.Ser731Ala; replaces serine 731 with alanine.
Molecular consequence: missense variant. On other transcripts: 3 prime UTR variant (1), non-coding transcript variant (2).
Genome position (GRCh38, 1-based): chr5:55,941,648, A>C on the plus strand (T>G on the coding strand, the complement: IL6ST is on the minus strand). VCF-style: chr5-55941648-A-C. GRCh37 (hg19) VCF-style: chr5-55237476-A-C.
Other names: c.2008T>G, p.Ser670Ala (NM_001190981.2); c.2089T>G, p.Ser697Ala (NM_001364275.2); c.1981T>G, p.Ser661Ala (NM_001364276.2); c.1324T>G, p.Ser442Ala (NM_001364277.2); c.1288T>G, p.Ser430Ala (NM_001364278.2); c.1195T>G, p.Ser399Ala (NM_001364279.2); c.*1118T>G (NM_175767.3); short protein forms S661A, S670A, S731A, S442A, S430A, S399A, S697A.
Identifiers: ClinVar variation 3644503 (VCV003644503.2).
Genomic context (GRCh38, chr5:55,941,648, plus strand): 5'-GTGAAGATTCATTTTCATCACTGCTAGAAATGCTTGGCCTAGAAGATGACATGCATGAAG[A>C]CCCCCCAATACCACTGCTGTGTCCTTCAGTATTAATTTTTTCCTTTTTGAACAGGTCCAA-3'
Protein context (NP_002175.2, residues 721-741): TEGHSSGIGG[Ser731Ala]SCMSSSRPSI